The following is an entry in ClinVar:

NM_198488.5(SACK1H):c.501G>A (p.Val167=)

Gene: SACK1H (scaffolding CK1 anchoring protein H; minus strand). Cytogenetic location: 8q24.3.
Variant type: single nucleotide variant.
Coding change: c.501G>A on transcript NM_198488.5 (MANE Select); coding-DNA position 501, G replaced by A.
Protein change: p.Val167=; no amino-acid change (valine 167 retained).
Molecular consequence: synonymous variant.
Genome position (GRCh38, 1-based): chr8:143,729,270, C>T on the plus strand (G>A on the coding strand, the complement: SACK1H is on the minus strand). VCF-style: chr8-143729270-C-T. GRCh37 (hg19) VCF-style: chr8-144811440-C-T.
Identifiers: ClinVar variation 3048314 (VCV003048314.3), dbSNP rs367912449, ClinGen allele CA4917701.

ClinVar aggregate classification (germline): Likely benign. Review status: criteria provided, single submitter (1 of 4 stars). 2 submissions from 2 submitters: Likely benign (1). 1 of the submissions does not count toward it. Last evaluated 2024-03-06.

Conditions:
FAM83H-related disorder. Also called: FAM83H-related condition.

Allele frequency attached by ClinVar (database versions not stated): gnomAD 0.00004; TOPMed 0.00004; ExAC 0.00008; ESP Exome Variant Server 0.00008.

Submissions (2):

Blueprint Genetics
Classification: Likely benign. Last evaluated: 2024-03-06. Review status: criteria provided, single submitter. Criteria: ACMG Guidelines, 2015. Collection method: clinical testing. Allele origin: germline.

PreventionGenetics, part of Exact Sciences
Classification: Likely benign for FAM83H-related condition. Last evaluated: 2019-12-31. Review status: no assertion criteria provided. Collection method: clinical testing. Allele origin: germline. Not counted in ClinVar's aggregate classification.
Comment: This variant is classified as likely benign based on ACMG/AMP sequence variant interpretation guidelines (Richards et al. 2015 PMID: 25741868, with internal and published modifications).